The following is an entry in ClinVar:

ClinVar aggregate classification (germline): Likely benign (1 of 4 stars; one submission).

Submission:

CeGaT Center for Human Genetics Tuebingen
Classification: Likely benign. Last evaluated: 2025-02-01. Review status: criteria provided, single submitter. Criteria: CeGaT Center For Human Genetics Tuebingen Variant Classification Criteria Version 2. Collection method: clinical testing. Allele origin: germline. Affected: yes. Observed: 1 variant allele.
Comment: NPRL3: PM2:Supporting, BP4, BP7

NM_001077350.3(NPRL3):c.388C>T (p.Leu130=)

Genes: HBA-LCR (alpha-globin locus control region; plus strand), NPRL3 (NPR3 like, GATOR1 complex subunit; minus strand). Cytogenetic location: 16p13.3.
Variant type: single nucleotide variant.
Coding change: c.388C>T on transcript NM_001077350.3 (MANE Select); coding-DNA position 388, C replaced by T.
Protein change: p.Leu130=; no amino-acid change (leucine 130 retained).
Molecular consequence: synonymous variant. On other transcripts: intron variant (3).
Genome position (GRCh38, 1-based): chr16:117,306, G>A on the plus strand (C>T on the coding strand, the complement: NPRL3 is on the minus strand). VCF-style: chr16-117306-G-A. GRCh37 (hg19) VCF-style: chr16-167305-G-A.
Other names: c.154C>T, p.Leu52= (NM_001243247.2); c.318+1820C>T (NM_001243248.2, NM_001243249.2); c.-144-4531C>T (NM_001039476.3).
Identifiers: ClinVar variation 3772405 (VCV003772405.13).
Genomic context (GRCh38, chr16:117,306, plus strand): 5'-GCTGCTTCTCCACTGGCCCCACTCCCTGATCTTAACCATTTATATAAACACTCACCCTCA[G>A]TGCAAACACCACATTAAAAAGAATCATAGTAGGTGCTTCCCTCTTCGGGGAAGGATCTGT-3'
Protein context (NP_001070818.1, residues 120-140): TMILFNVVFA[Leu130=]RANADPSVIN